The following is an entry in ClinVar:

NM_007194.4(CHEK2):c.444G>T (p.Arg148Ser)

Gene: CHEK2 (checkpoint kinase 2; minus strand). Cytogenetic location: 22q12.1.
Variant type: single nucleotide variant.
Coding change: c.444G>T on transcript NM_007194.4 (MANE Select); coding-DNA position 444, G replaced by T.
Protein change: p.Arg148Ser; replaces arginine 148 with serine.
Molecular consequence: missense variant.
Genome position (GRCh38, 1-based): chr22:28,725,243, C>A on the plus strand (G>T on the coding strand, the complement: CHEK2 is on the minus strand). VCF-style: chr22-28725243-C-A. GRCh37 (hg19) VCF-style: chr22-29121231-C-A.
Other names: c.573G>T, p.Arg191Ser (NM_001005735.3); c.-334G>T (NM_001257387.3); c.444G>T, p.Arg148Ser (NM_001349956.3, NM_145862.3); short protein forms R191S, R148S.
Identifiers: ClinVar variation 1740692 (VCV001740692.2), dbSNP rs1298109942, ClinGen allele CA411107838.

ClinVar aggregate classification (germline): Uncertain significance (1 of 4 stars; one submission).

Conditions:
Hereditary cancer-predisposing syndrome. Also called: Hereditary Cancer Syndrome; Hereditary neoplastic syndrome; Neoplastic Syndromes, Hereditary; Tumor predisposition. Identifiers: Orphanet 140162, MedGen C0027672, MeSH D009386, MONDO:0015356.

Submission:

Ambry Genetics
Classification: Uncertain significance for Hereditary cancer-predisposing syndrome. Last evaluated: 2021-05-17. Review status: criteria provided, single submitter. Criteria: Ambry Variant Classification Scheme 2023. Collection method: clinical testing. Allele origin: germline.
Comment: The p.R148S variant (also known as c.444G>T), located in coding exon 2 of the CHEK2 gene, results from a G to T substitution at nucleotide position 444. The amino acid change results in arginine to serine at codon 148, an amino acid with dissimilar properties. However, this change occurs in the last base pair of coding exon 2, which makes it likely to have some effect on normal mRNA splicing. This nucleotide position is not well conserved in available vertebrate species. This amino acid position is highly conserved in available vertebrate species. In silico splice site analysis predicts that this alteration will result in the creation or strengthening of a novel splice donor site; however, direct evidence is insufficient at this time (Ambry internal data). In addition, as a missense substitution this is predicted to be deleterious by in silico analysis. Since supporting evidence is limited at this time, the clinical significance of this alteration remains unclear.